The following is an entry in ClinVar:

ClinVar aggregate classification (germline): Uncertain significance (1 of 4 stars; one submission).

Allele frequency attached by ClinVar (database versions not stated): ExAC 0.00003; gnomAD 0.00005 and 0.00006; ESP Exome Variant Server 0.00017.
gnomAD v4.1: 83 of 1,613,096 alleles (0.0051%); highest among the groups gnomAD compares: Non-Finnish European, 0.0068%; no homozygotes.

Submission:

Labcorp Genetics (formerly Invitae), Labcorp
Classification: Uncertain significance. Last evaluated: 2024-10-07. Review status: criteria provided, single submitter. Criteria: Invitae Variant Classification Sherloc (09022015). Collection method: clinical testing. Allele origin: germline.
Comment: This sequence change replaces arginine, which is basic and polar, with cysteine, which is neutral and slightly polar, at codon 497 of the KIZ protein (p.Arg497Cys). This variant is present in population databases (rs375058051, gnomAD 0.005%). This variant has not been reported in the literature in individuals affected with KIZ-related conditions. ClinVar contains an entry for this variant (Variation ID: 1502105). Experimental studies and prediction algorithms are not available or were not evaluated, and the functional significance of this variant is currently unknown. In summary, the available evidence is currently insufficient to determine the role of this variant in disease. Therefore, it has been classified as a Variant of Uncertain Significance.

NM_018474.6(KIZ):c.1489C>T (p.Arg497Cys)

Genes: KIZ (kizuna centrosomal protein; plus strand), KIZ-AS1 (KIZ antisense RNA 1; minus strand). Cytogenetic location: 20p11.23.
Variant type: single nucleotide variant.
Coding change: c.1489C>T on transcript NM_018474.6 (MANE Select); coding-DNA position 1489, C replaced by T.
Protein change: p.Arg497Cys; replaces arginine 497 with cysteine.
Molecular consequence: missense variant.
Genome position (GRCh38, 1-based): chr20:21,214,577, C>T. VCF-style: chr20-21214577-C-T. GRCh37 (hg19) VCF-style: chr20-21195215-C-T.
Other names: c.1180C>T, p.Arg394Cys (NM_001163022.3); c.1090C>T, p.Arg364Cys (NM_001163023.3); c.1342C>T, p.Arg448Cys (NM_001276389.2); c.1435C>T, p.Arg479Cys (NM_001352434.2); c.1126C>T, p.Arg376Cys (NM_001352435.2); c.1147C>T, p.Arg383Cys (NM_001352436.2); short protein forms R376C, R479C, R394C, R497C, R364C, R383C, R448C.
Identifiers: ClinVar variation 1502105 (VCV001502105.5), dbSNP rs375058051, ClinGen allele CA9784887.